The following is an entry in ClinVar:

ClinVar aggregate classification (germline): Conflicting classifications of pathogenicity. Review status: criteria provided, conflicting classifications (1 of 4 stars). 16 submissions from 12 submitters: Uncertain significance (10); Benign (2); Likely benign (4). Last evaluated 2026-06-05.

Conditions:
TTN-related disorder. Also called: TTN-related condition; TTN-related disease; TTN-related disorders.
Cardiovascular phenotype. Identifiers: MedGen CN230736.
Autosomal recessive limb-girdle muscular dystrophy type 2J (LGMDR10). Also called: Limb-girdle muscular dystrophy, type 2J; MUSCULAR DYSTROPHY, LIMB-GIRDLE, AUTOSOMAL RECESSIVE 10. Identifiers: Orphanet 140922, MedGen C1837342, MONDO:0012127, OMIM 608807.
Dilated cardiomyopathy 1G (CMD1G). Identifiers: Orphanet 154, MedGen C1858763, MONDO:0011400, OMIM 604145.
Cardiomyopathy (CMYO). Also called: Cardiomyopathies. Identifiers: Orphanet 167848, MedGen C0878544, MONDO:0004994, HP:0001638. Inheritance: Various modes of inheritance.
Early-onset myopathy with fatal cardiomyopathy (CMYO5). Also called: CONGENITAL MYOPATHY 5 WITH CARDIOMYOPATHY; Salih Myopathy. Identifiers: Orphanet 289377, MedGen C2673677, MONDO:0012714, OMIM 611705. Disease mechanism: loss of function.
Tibial muscular dystrophy (TMD). Also called: Tibial muscular dystrophy, tardive; UDD MYOPATHY; Udd Distal Myopathy – Tibial Muscular Dystrophy. Identifiers: Orphanet 609, MedGen C1838244, MONDO:0010870, OMIM 600334.
Myopathy, myofibrillar, 9, with early respiratory failure (MFM9). Also called: Hereditary myopathy with early respiratory failure; MYOPATHY, PROXIMAL, WITH EARLY RESPIRATORY MUSCLE INVOLVEMENT; Myopathy, distal, with early respiratory failure, autosomal dominant; EDSTROM MYOPATHY. Identifiers: Orphanet 178464, Orphanet 34521, MedGen C1863599, MONDO:0011362, OMIM 603689.

Allele frequency attached by ClinVar (database versions not stated): gnomAD 0.00006; TOPMed 0.00007.
gnomAD v4.1: 273 of 1,613,762 alleles (0.017%); highest among the groups gnomAD compares: Non-Finnish European, 0.022%; 1 homozygote.

Submissions (16):

PreventionGenetics, part of Exact Sciences
Classification: Uncertain significance for TTN-related condition. Last evaluated: 2026-06-05. Review status: criteria provided, single submitter. Criteria: ACMG Guidelines, 2015. Collection method: clinical testing. Allele origin: germline.
Comment: The TTN c.93131G>T variant is predicted to result in the amino acid substitution p.Gly31044Val. This variant has been documented in a dilated cardiomyopathy cohort (Table S6 in Haas et al. 2015. PubMed ID: 25163546, described as c.66512G>T Gly22171Val in transcript NM_133437). This variant is reported in 0.022% of alleles in individuals of European (Non-Finnish) descent in gnomAD. Although we suspect that this variant may be benign, at this time, the clinical significance of this variant is uncertain due to the absence of conclusive functional and genetic evidence.

Molecular Diagnostic Laboratory for Inherited Cardiovascular Disease, Montreal Heart Institute
Classification: Likely benign. Last evaluated: 2025-04-09. Review status: criteria provided, single submitter. Criteria: ACMG Guidelines, 2015. Collection method: clinical testing. Allele origin: germline. Affected: no.

Blueprint Genetics
Classification: Likely benign. Last evaluated: 2024-11-24. Review status: criteria provided, single submitter. Criteria: ACMG Guidelines, 2015. Collection method: clinical testing. Allele origin: germline.

CeGaT Center for Human Genetics Tuebingen
Classification: Uncertain significance. Last evaluated: 2024-04-01. Review status: criteria provided, single submitter. Criteria: CeGaT Center For Human Genetics Tuebingen Variant Classification Criteria Version 2. Collection method: clinical testing. Allele origin: germline. Affected: yes. Observed: 1 variant allele.
Comment: TTN: PM2

Revvity Omics, Revvity
Classification: Uncertain significance. Last evaluated: 2022-04-12. Review status: criteria provided, single submitter. Criteria: ACMG Guidelines, 2015. Collection method: clinical testing. Allele origin: germline.

GeneDx
Classification: Likely benign. Last evaluated: 2020-07-17. Review status: criteria provided, single submitter. Criteria: GeneDx Variant Classification Process June 2021. Collection method: clinical testing. Allele origin: germline. Affected: yes.
Comment: This variant is associated with the following publications: (PMID: 25163546)

Ambry Genetics
Classification: Likely benign for Cardiovascular phenotype. Last evaluated: 2020-03-09. Review status: criteria provided, single submitter. Criteria: Ambry Variant Classification Scheme 2023. Collection method: clinical testing. Allele origin: germline.

Laboratory for Molecular Medicine, Mass General Brigham Personalized Medicine
Classification: Uncertain significance. Last evaluated: 2019-05-10. Review status: criteria provided, single submitter. Criteria: LMM Criteria. Collection method: clinical testing. Allele origin: germline. Observed: 3 variant alleles.
Comment: Variant classified as Uncertain Significance - Favor Benign. This variant has also been identified in 0.022% (28/127732) of European chromosomes by gnomAD (filtering allele frequency 0.017%) and has been reported as a variant of uncertain significance in ClinVar (Variation ID 229543). Computational prediction tools and conservation analysis do not provide strong support for or against an impact to the protein. In summary, while its frequency suggests it is more likely to be benign, the clinical significance of the p.Gly28476Val variant is uncertain. ACMG/AMP criteria applied: BP5.

CHEO Genetics Diagnostic Laboratory, Children's Hospital of Eastern Ontario
Classification: Uncertain significance for Cardiomyopathy. Last evaluated: 2018-05-03. Review status: criteria provided, single submitter. Criteria: ACMG Guidelines, 2015. Collection method: clinical testing. Allele origin: germline.

Illumina Laboratory Services, Illumina
Classification: Uncertain significance for Dilated cardiomyopathy 1G. Last evaluated: 2018-01-12. Review status: criteria provided, single submitter. Criteria: ICSL Variant Classification Criteria 13 December 2019. Collection method: clinical testing. Allele origin: germline.

Illumina Laboratory Services, Illumina
Classification: Uncertain significance for Autosomal recessive limb-girdle muscular dystrophy type 2J. Last evaluated: 2018-01-12. Review status: criteria provided, single submitter. Criteria: ICSL Variant Classification Criteria 13 December 2019. Collection method: clinical testing. Allele origin: germline.

Illumina Laboratory Services, Illumina
Classification: Benign for Myopathy, myofibrillar, 9, with early respiratory failure. Last evaluated: 2018-01-12. Review status: criteria provided, single submitter. Criteria: ICSL Variant Classification Criteria 13 December 2019. Collection method: clinical testing. Allele origin: germline.
Comment: This variant was observed in the ICSL laboratory as part of a predisposition screen in an ostensibly healthy population. It had not been previously curated by ICSL or reported in the Human Gene Mutation Database (HGMD: prior to June 1st, 2018), and was therefore a candidate for classification through an automated scoring system. Utilizing variant allele frequency, disease prevalence and penetrance estimates, and inheritance mode, an automated score was calculated to assess if this variant is too frequent to cause the disease. Based on the score and internal cut-off values, a variant classified as benign is not then subjected to further curation. The score for this variant resulted in a classification of benign for this disease.

Illumina Laboratory Services, Illumina
Classification: Benign for Tibial muscular dystrophy. Last evaluated: 2018-01-12. Review status: criteria provided, single submitter. Criteria: ICSL Variant Classification Criteria 13 December 2019. Collection method: clinical testing. Allele origin: germline.
Comment: the same text as in the submission from Illumina Laboratory Services, Illumina above.

Illumina Laboratory Services, Illumina
Classification: Uncertain significance for Early-onset myopathy with fatal cardiomyopathy. Last evaluated: 2018-01-12. Review status: criteria provided, single submitter. Criteria: ICSL Variant Classification Criteria 13 December 2019. Collection method: clinical testing. Allele origin: germline.

Athena Diagnostics
Classification: Uncertain significance. Last evaluated: 2017-07-05. Review status: criteria provided, single submitter. Criteria: Athena Diagnostics Criteria. Collection method: clinical testing. Allele origin: germline.

Labcorp Genetics (formerly Invitae), Labcorp
Classification: Uncertain significance for Dilated cardiomyopathy 1G; Autosomal recessive limb-girdle muscular dystrophy type 2J. Last evaluated: 2017-05-16. Review status: criteria provided, single submitter. Criteria: Invitae Variant Classification Sherloc (09022015). Collection method: clinical testing. Allele origin: germline.

Literature cited by the submitters: PubMed 25163546 (cited by 3 submitters).

NM_001267550.2(TTN):c.93131G>T (p.Gly31044Val)

Genes: TTN (titin; minus strand), TTN-AS1 (TTN antisense RNA 1; plus strand). Cytogenetic location: 2q31.2.
Variant type: single nucleotide variant.
Coding change: c.93131G>T on transcript NM_001267550.2 (MANE Select); coding-DNA position 93131, G replaced by T.
Protein change: p.Gly31044Val; replaces glycine 31044 with valine.
Molecular consequence: missense variant.
Genome position (GRCh38, 1-based): chr2:178,548,495, C>A on the plus strand (G>T on the coding strand, the complement: TTN is on the minus strand). VCF-style: chr2-178548495-C-A. GRCh37 (hg19) VCF-style: chr2-179413222-C-A.
Other names: c.85427G>T, p.Gly28476Val (NM_133378.4); c.88208G>T, p.Gly29403Val (NM_001256850.1); c.65936G>T, p.Gly21979Val (NM_003319.4); c.66311G>T, p.Gly22104Val (NM_133432.3); c.66512G>T, p.Gly22171Val (NM_133437.4); short protein forms G28476V, G31044V, G29403V, G22171V, G21979V, G22104V.
Identifiers: ClinVar variation 229543 (VCV000229543.42), dbSNP rs570464905, ClinGen allele CA1987351.